The following is an entry in ClinVar:

ClinVar aggregate classification (germline): Uncertain significance (1 of 4 stars; one submission).

Conditions:
IFT74-related disorder. Also called: IFT74-related condition; IFT74-Related Disorders.

Submission:

PreventionGenetics, part of Exact Sciences
Classification: Uncertain significance for IFT74-related condition. Last evaluated: 2025-05-29. Review status: criteria provided, single submitter. Criteria: ACMG Guidelines, 2015. Collection method: clinical testing. Allele origin: germline.
Comment: The IFT74 c.944A>G variant is predicted to result in the amino acid substitution p.Asp315Gly. To our knowledge, this variant has not been reported in the literature or in a large population database (gnomAD), indicating this variant is rare. At this time, the clinical significance of this variant is uncertain due to the absence of conclusive functional and genetic evidence.

NM_025103.4(IFT74):c.944A>G (p.Asp315Gly)

Gene: IFT74 (intraflagellar transport 74; plus strand). Cytogenetic location: 9p21.2.
Variant type: single nucleotide variant.
Coding change: c.944A>G on transcript NM_025103.4 (MANE Select); coding-DNA position 944, A replaced by G.
Protein change: p.Asp315Gly; replaces aspartic acid 315 with glycine.
Molecular consequence: missense variant.
Genome position (GRCh38, 1-based): chr9:27,018,657, A>G. VCF-style: chr9-27018657-A-G. GRCh37 (hg19) VCF-style: chr9-27018655-A-G.
Other names: c.944A>G, p.Asp315Gly (NM_001099222.3, NM_001099223.3, NM_001099224.3 and 1 more transcripts); short protein forms D315G.
Identifiers: ClinVar variation 4999007 (VCV004999007.1).